The following is an entry in ClinVar:

NM_001001563.5(TIMM50):c.91C>T (p.Arg31Cys)

Gene: TIMM50 (translocase of inner mitochondrial membrane 50; plus strand). Cytogenetic location: 19q13.2.
Variant type: single nucleotide variant.
Coding change: c.91C>T on transcript NM_001001563.5 (MANE Select); coding-DNA position 91, C replaced by T.
Protein change: p.Arg31Cys; replaces arginine 31 with cysteine.
Molecular consequence: missense variant. On other transcripts: 5 prime UTR variant (1).
Genome position (GRCh38, 1-based): chr19:39,480,944, C>T. VCF-style: chr19-39480944-C-T. GRCh37 (hg19) VCF-style: chr19-39971584-C-T.
Other names: c.-190C>T (NM_001329559.2); short protein forms R31C.
Identifiers: ClinVar variation 2000491 (VCV002000491.4), dbSNP rs1286835357, ClinGen allele CA405785963.

ClinVar aggregate classification (germline): Uncertain significance (1 of 4 stars; one submission).

Allele frequency attached by ClinVar (database versions not stated): gnomAD exomes below 0.00001.
gnomAD v4.1: 1 of 1,586,216 alleles (0.000063%); highest among the groups gnomAD compares: Admixed American, 0.0017%; no homozygotes.

Submission:

Labcorp Genetics (formerly Invitae), Labcorp
Classification: Uncertain significance. Last evaluated: 2025-07-28. Review status: criteria provided, single submitter. Criteria: Invitae Variant Classification Sherloc (09022015). Collection method: clinical testing. Allele origin: germline.
Comment: This sequence change replaces arginine, which is basic and polar, with cysteine, which is neutral and slightly polar, at codon 134 of the TIMM50 protein (p.Arg134Cys). This variant is not present in population databases (gnomAD no frequency). This variant has not been reported in the literature in individuals affected with TIMM50-related conditions. ClinVar contains an entry for this variant (Variation ID: 2000491). An algorithm developed to predict the effect of missense changes on protein structure and function (PolyPhen-2) suggests that this variant is likely to be tolerated. In summary, the available evidence is currently insufficient to determine the role of this variant in disease. Therefore, it has been classified as a Variant of Uncertain Significance.